The following is an entry in ClinVar:

NM_198253.3(TERT):c.652G>A (p.Ala218Thr)

Gene: TERT (telomerase reverse transcriptase; minus strand). Cytogenetic location: 5p15.33.
Variant type: single nucleotide variant.
Coding change: c.652G>A on transcript NM_198253.3 (MANE Select); coding-DNA position 652, G replaced by A.
Protein change: p.Ala218Thr; replaces alanine 218 with threonine.
Molecular consequence: missense variant. On other transcripts: non-coding transcript variant (2).
Genome position (GRCh38, 1-based): chr5:1,294,234, C>T on the plus strand (G>A on the coding strand, the complement: TERT is on the minus strand). VCF-style: chr5-1294234-C-T. GRCh37 (hg19) VCF-style: chr5-1294349-C-T.
Other names: c.652G>A, p.Ala218Thr (NM_001193376.3); short protein forms A218T.
Identifiers: ClinVar variation 539191 (VCV000539191.10), dbSNP rs1554043028, ClinGen allele CA359057098.
Genomic context (GRCh38, chr5:1,294,234, plus strand): 5'-GCCTCTTGGGCAACGGCAGACTTCGGCTGGCACTGCCCCCGCGCCTCCTCGCACCCGGGG[C>T]TGGCAGGCCCAGGGGGACCCCGGCCTCCCTGACGCTATGGTTCCAGGCCCGTTCGCATCC-3'
Protein context (NP_937983.2, residues 208-228): REAGVPLGLP[Ala218Thr]PGARRRGGSA

ClinVar aggregate classification (germline): Uncertain significance. Review status: criteria provided, multiple submitters, no conflicts (2 of 4 stars). 2 submissions from 2 submitters: Uncertain significance (2). Last evaluated 2022-01-12.

Conditions:
Dyskeratosis congenita, autosomal dominant 2. Identifiers: MedGen C3151443, MONDO:0013521, OMIM 613989.
Idiopathic Pulmonary Fibrosis. Also called: Idiopathic fibrosing alveolitis, chronic form; idiopathic fibrosing alveolitis. Identifiers: Orphanet 2032, MedGen C1800706, MeSH D054990, MONDO:0800504.
Interstitial lung disease 2 (ILD2). Also called: FIBROCYSTIC PULMONARY DYSPLASIA; FIBROSING ALVEOLITIS, CRYPTOGENIC; Familial idiopathic pulmonary fibrosis. Identifiers: Orphanet 2032, Orphanet 79126, MedGen C5561926, MONDO:0800497, OMIM 178500, MONDO:0800029.

Submissions (2):

Labcorp Genetics (formerly Invitae), Labcorp
Classification: Uncertain significance for Dyskeratosis congenita, autosomal dominant 2; Idiopathic Pulmonary Fibrosis. Last evaluated: 2022-01-12. Review status: criteria provided, single submitter. Criteria: Invitae Variant Classification Sherloc (09022015). Collection method: clinical testing. Allele origin: germline.
Comment: In summary, the available evidence is currently insufficient to determine the role of this variant in disease. Therefore, it has been classified as a Variant of Uncertain Significance. Advanced modeling of protein sequence and biophysical properties (such as structural, functional, and spatial information, amino acid conservation, physicochemical variation, residue mobility, and thermodynamic stability) performed at Invitae indicates that this missense variant is not expected to disrupt TERT protein function. ClinVar contains an entry for this variant (Variation ID: 539191). This variant has not been reported in the literature in individuals affected with TERT-related conditions. This variant is not present in population databases (gnomAD no frequency). This sequence change replaces alanine, which is neutral and non-polar, with threonine, which is neutral and polar, at codon 218 of the TERT protein (p.Ala218Thr).

Mendelics
Classification: Uncertain significance for Interstitial lung disease 2. Last evaluated: 2019-05-28. Review status: criteria provided, single submitter. Criteria: Mendelics Assertion Criteria 2017. Collection method: clinical testing. Allele origin: unknown.